The following is an entry in ClinVar:

NM_022051.3(EGLN1):c.254C>T (p.Pro85Leu)

Gene: EGLN1 (egl-9 family hypoxia inducible factor 1; minus strand). Cytogenetic location: 1q42.2.
Variant type: single nucleotide variant.
Coding change: c.254C>T on transcript NM_022051.3 (MANE Select); coding-DNA position 254, C replaced by T.
Protein change: p.Pro85Leu; replaces proline 85 with leucine.
Molecular consequence: missense variant.
Genome position (GRCh38, 1-based): chr1:231,421,635, G>A on the plus strand (C>T on the coding strand, the complement: EGLN1 is on the minus strand). VCF-style: chr1-231421635-G-A. GRCh37 (hg19) VCF-style: chr1-231557381-G-A.
Other names: c.254C>T, p.Pro85Leu (NM_001377260.1, NM_001377261.1); short protein forms P85L.
Identifiers: ClinVar variation 4016867 (VCV004016867.1).

ClinVar aggregate classification (germline): Uncertain significance (1 of 4 stars; one submission).

gnomAD v4.1: 11 of 1,438,670 alleles (0.00076%); highest among the groups gnomAD compares: Non-Finnish European, 0.001%; no homozygotes.

Submission:

Ambry Genetics
Classification: Uncertain significance. Last evaluated: 2025-05-09. Review status: criteria provided, single submitter. Criteria: Ambry Variant Classification Scheme 2023. Collection method: clinical testing. Allele origin: germline.
Comment: The p.P85L variant (also known as c.254C>T), located in coding exon 1 of the EGLN1 gene, results from a C to T substitution at nucleotide position 254. The proline at codon 85 is replaced by leucine, an amino acid with similar properties. This amino acid position is conserved. In addition, this alteration is predicted to be tolerated by in silico analysis. Based on the available evidence, the clinical significance of this variant remains unclear.